The following is an entry in ClinVar:

ClinVar aggregate classification (germline): Likely benign. Review status: criteria provided, multiple submitters, no conflicts (2 of 4 stars). 2 submissions from 2 submitters: Likely benign (2). Last evaluated 2025-12-01.

Conditions:
Dystonia 12 (DYT12). Also called: DYT-ATP1A3; Rapid-Onset Dystonia-Parkinsonism (RDP). Identifiers: Orphanet 71517, MedGen C1868681, MONDO:0007496, OMIM 128235.

Allele frequency attached by ClinVar (database versions not stated): ExAC 0.00001; gnomAD exomes 0.00002 and 0.00004; TOPMed 0.00003; gnomAD 0.00004.
gnomAD v4.1: 67 of 1,614,124 alleles (0.0042%); highest among the groups gnomAD compares: African/African-American, 0.008%; no homozygotes.

Submissions (2):

CeGaT Center for Human Genetics Tuebingen
Classification: Likely benign. Last evaluated: 2025-12-01. Review status: criteria provided, single submitter. Criteria: CeGaT Center For Human Genetics Tuebingen Variant Classification Criteria Version 2. Collection method: clinical testing. Allele origin: germline. Affected: yes. Observed: 1 variant allele.
Comment: ATP1A3: BP4, BP7

Labcorp Genetics (formerly Invitae), Labcorp
Classification: Likely benign for Dystonia 12. Last evaluated: 2024-11-12. Review status: criteria provided, single submitter. Criteria: Invitae Variant Classification Sherloc (09022015). Collection method: clinical testing. Allele origin: germline.

NM_152296.5(ATP1A3):c.1824C>T (p.Gly608=)

Gene: ATP1A3 (ATPase Na+/K+ transporting subunit alpha 3; minus strand). Cytogenetic location: 19q13.2.
Variant type: single nucleotide variant.
Coding change: c.1824C>T on transcript NM_152296.5 (MANE Select); coding-DNA position 1824, C replaced by T.
Protein change: p.Gly608=; no amino-acid change (glycine 608 retained).
Molecular consequence: synonymous variant.
Genome position (GRCh38, 1-based): chr19:41,978,055, G>A on the plus strand (C>T on the coding strand, the complement: ATP1A3 is on the minus strand). VCF-style: chr19-41978055-G-A. GRCh37 (hg19) VCF-style: chr19-42482207-G-A.
Other names: c.1857C>T, p.Gly619= (NM_001256213.2); c.1863C>T, p.Gly621= (NM_001256214.2).
Identifiers: ClinVar variation 665986 (VCV000665986.13), dbSNP rs782288263, ClinGen allele CA9467551.
Genomic context (GRCh38, chr19:41,978,055, plus strand): 5'-GTTGCCCTCAGAGATGATGCCCACACCCTTGGCAATGGCCTTGGCCGTGATGGGGTGATC[G>A]CCGGTGACCATGATGACCTGCAGGCATTGTTTTTTAGGGATGGCCTCTCCCGCCCCACGC-3'
Protein context (NP_689509.1, residues 598-618): SAGIKVIMVT[Gly608=]DHPITAKAIA